The following is an entry in ClinVar:

NM_001042545.2(LTBP4):c.3395G>A (p.Arg1132Gln)

Gene: LTBP4 (latent transforming growth factor beta binding protein 4; plus strand). Cytogenetic location: 19q13.2.
Variant type: single nucleotide variant.
Coding change: c.3395G>A on transcript NM_001042545.2 (MANE Select); coding-DNA position 3395, G replaced by A.
Protein change: p.Arg1132Gln; replaces arginine 1132 with glutamine.
Molecular consequence: missense variant.
Genome position (GRCh38, 1-based): chr19:40,622,578, G>A. VCF-style: chr19-40622578-G-A. GRCh37 (hg19) VCF-style: chr19-41128483-G-A.
Other names: c.3596G>A, p.Arg1199Gln (NM_001042544.1); c.3485G>A, p.Arg1162Gln (NM_003573.2); short protein forms R1132Q, R1162Q, R1199Q.
Identifiers: ClinVar variation 4070893 (VCV004070893.1).

ClinVar aggregate classification (germline): Uncertain significance (1 of 4 stars; one submission).

gnomAD v4.1: 54 of 1,613,822 alleles (0.0033%); highest among the groups gnomAD compares: East Asian, 0.02%; no homozygotes.

Submission:

GeneDx
Classification: Uncertain significance. Last evaluated: 2025-01-21. Review status: criteria provided, single submitter. Criteria: GeneDx Variant Classification Process June 2021. Collection method: clinical testing. Allele origin: germline. Affected: yes.
Comment: In silico analysis supports that this missense variant has a deleterious effect on protein structure/function; Has not been previously published as pathogenic or benign to our knowledge